The following is an entry in ClinVar:

NM_003477.3(PDHX):c.531C>T (p.Pro177=)

Gene: PDHX (pyruvate dehydrogenase complex component X; plus strand). Cytogenetic location: 11p13.
Variant type: single nucleotide variant.
Coding change: c.531C>T on transcript NM_003477.3 (MANE Select); coding-DNA position 531, C replaced by T.
Protein change: p.Pro177=; no amino-acid change (proline 177 retained).
Molecular consequence: synonymous variant. On other transcripts: intron variant (1).
Genome position (GRCh38, 1-based): chr11:34,957,572, C>T. VCF-style: chr11-34957572-C-T. GRCh37 (hg19) VCF-style: chr11-34979119-C-T.
Other names: p.P177P:CCC>CCT; c.351C>T, p.Pro117= (NM_001135024.2); c.342+9966C>T (NM_001166158.2).
Identifiers: ClinVar variation 138660 (VCV000138660.25), dbSNP rs76486106, ClinGen allele CA292743.

ClinVar aggregate classification (germline): Benign. Review status: criteria provided, multiple submitters, no conflicts (2 of 4 stars). 6 submissions from 6 submitters: Benign (5). 1 of the submissions does not count toward it. Last evaluated 2026-01-28.

Conditions:
Pyruvate dehydrogenase E3-binding protein deficiency (PDHXD). Also called: PYRUVATE HYDROGENASE E3-BINDING PROTEIN DEFICIENCY; Lacticacidemia due to PDX1 deficiency; E3-Binding Protein (Component X) Deficiency; LACTIC ACIDEMIA DUE TO DEFECT IN LIPOYL-CONTAINING COMPONENT X OF THE PYRUVATE DEHYDROGENASE COMPLEX. Identifiers: Orphanet 255182, MedGen C1855553, MONDO:0009503, OMIM 245349.

Allele frequency attached by ClinVar (database versions not stated): gnomAD exomes 0.00191 and 0.00429; ExAC 0.00559; gnomAD 0.01674 and 0.01781; TOPMed 0.01755; ESP Exome Variant Server 0.01815; 1000 Genomes Project 0.02157; 1000 Genomes Project 30x 0.02436.
gnomAD v4.1: 5,493 of 1,611,622 alleles (0.34%); highest among the groups gnomAD compares: African/African-American, 5.8%; 137 homozygotes.

Submissions (6):

Labcorp Genetics (formerly Invitae), Labcorp
Classification: Benign. Last evaluated: 2026-01-28. Review status: criteria provided, single submitter. Criteria: Invitae Variant Classification Sherloc (09022015). Collection method: clinical testing. Allele origin: germline.

ARUP Laboratories, Molecular Genetics and Genomics, ARUP Laboratories
Classification: Benign for Pyruvate dehydrogenase E3-binding protein deficiency. Last evaluated: 2023-11-22. Review status: criteria provided, single submitter. Criteria: ARUP Molecular Germline Variant Investigation Process 2024. Collection method: clinical testing. Allele origin: germline.

Illumina Laboratory Services, Illumina
Classification: Benign for Pyruvate dehydrogenase E3-binding protein deficiency. Last evaluated: 2018-01-12. Review status: criteria provided, single submitter. Criteria: ICSL Variant Classification Criteria 13 December 2019. Collection method: clinical testing. Allele origin: germline.
Comment: This variant was observed in the ICSL laboratory as part of a predisposition screen in an ostensibly healthy population. It had not been previously curated by ICSL or reported in the Human Gene Mutation Database (HGMD: prior to June 1st, 2018), and was therefore a candidate for classification through an automated scoring system. Utilizing variant allele frequency, disease prevalence and penetrance estimates, and inheritance mode, an automated score was calculated to assess if this variant is too frequent to cause the disease. Based on the score and internal cut-off values, a variant classified as benign is not then subjected to further curation. The score for this variant resulted in a classification of benign for this disease.

GeneDx
Classification: Benign. Last evaluated: 2014-03-13. Review status: criteria provided, single submitter. Criteria: GeneDx Variant Classification (06012015). Collection method: clinical testing. Allele origin: germline. Affected: yes.
Comment: This variant is considered likely benign or benign based on one or more of the following criteria: it is a conservative change, it occurs at a poorly conserved position in the protein, it is predicted to be benign by multiple in silico algorithms, and/or has population frequency not consistent with disease.

Breakthrough Genomics
Classification: Benign. Review status: criteria provided, single submitter. Criteria: ACMG Guidelines, 2015. Collection method: not provided. Allele origin: germline. Inheritance: Autosomal recessive inheritance. Affected: yes.

Mayo Clinic Laboratories, Mayo Clinic
Classification: Benign. Last evaluated: 2017-09-18. Review status: no assertion criteria provided. Collection method: clinical testing. Allele origin: unknown. Not counted in ClinVar's aggregate classification.